The following is an entry in ClinVar:

NM_005751.5(AKAP9):c.7843del (p.Val2615fs)

Gene: AKAP9 (A-kinase anchoring protein 9; plus strand). Cytogenetic location: 7q21.2.
Variant type: Deletion.
Coding change: c.7843del on transcript NM_005751.5 (MANE Select); coding-DNA position 7843, one base deleted (G; older notation c.7843delG).
Protein change: p.Val2615fs; shifts the reading frame from valine 2615.
Molecular consequence: frameshift variant.
Genome position (GRCh38, 1-based): chr7:92,079,976, G deleted; the last of 2 consecutive G bases (chr7:92,079,975-92,079,976); deleting either gives the same sequence. VCF-style (leftmost placement, unchanged base first): chr7-92079974-AG-A. GRCh37 (hg19) VCF-style: chr7-91709288-AG-A.
Other names: c.2488del, p.Val830fs (NM_001379277.1); c.7819del, p.Val2607fs (NM_147185.3); short protein forms V2615fs, V2607fs, V830fs.
Identifiers: ClinVar variation 1524462 (VCV001524462.6), dbSNP rs1813241938, ClinGen allele CA1104429830.

ClinVar aggregate classification (germline): Uncertain significance (1 of 4 stars; one submission).

Conditions:
Long QT syndrome (LQTS). Identifiers: MedGen C0023976, MeSH D008133, MONDO:0002442. Disease mechanism: loss of function. Inheritance: Various modes of inheritance.

Submission:

Labcorp Genetics (formerly Invitae), Labcorp
Classification: Uncertain significance for Long QT syndrome. Last evaluated: 2021-07-17. Review status: criteria provided, single submitter. Criteria: Invitae Variant Classification Sherloc (09022015). Collection method: clinical testing. Allele origin: germline.
Comment: This sequence change creates a premature translational stop signal (p.Val2615Leufs*8) in the AKAP9 gene. It is expected to result in an absent or disrupted protein product. However, the current clinical and genetic evidence is not sufficient to establish whether loss-of-function variants in AKAP9 cause disease. This variant is not present in population databases (ExAC no frequency). This variant has not been reported in the literature in individuals affected with AKAP9-related conditions. In summary, the available evidence is currently insufficient to determine the role of this variant in disease. Therefore, it has been classified as a Variant of Uncertain Significance.